The following is an entry in ClinVar:

ClinVar aggregate classification (germline): Uncertain significance. Review status: criteria provided, multiple submitters, no conflicts (2 of 4 stars). 2 submissions from 2 submitters: Uncertain significance (2). Last evaluated 2024-01-23.

Conditions:
Severe combined immunodeficiency due to DNA-PKcs deficiency. Also called: IMMUNODEFICIENCY 26 WITH NEUROLOGIC ABNORMALITIES; Immunodeficiency 26 with or without neurologic abnormalities. Identifiers: Orphanet 317425, MedGen C4014833, MONDO:0014423, OMIM 615966.

Allele frequency attached by ClinVar (database versions not stated): gnomAD exomes 0.00004 and 0.00008; ESP Exome Variant Server 0.00008; ExAC 0.00010; gnomAD 0.00015 and 0.00017; TOPMed 0.00015; 1000 Genomes Project 30x 0.00016; 1000 Genomes Project 0.00040.
gnomAD v4.1: 86 of 1,613,758 alleles (0.0053%); highest among the groups gnomAD compares: African/African-American, 0.039%; no homozygotes.

Submissions (2):

Labcorp Genetics (formerly Invitae), Labcorp
Classification: Uncertain significance for Severe combined immunodeficiency due to DNA-PKcs deficiency. Last evaluated: 2024-01-23. Review status: criteria provided, single submitter. Criteria: Invitae Variant Classification Sherloc (09022015). Collection method: clinical testing. Allele origin: germline.
Comment: This sequence change replaces threonine, which is neutral and polar, with methionine, which is neutral and non-polar, at codon 3415 of the PRKDC protein (p.Thr3415Met). This variant is present in population databases (rs370050708, gnomAD 0.05%). This variant has not been reported in the literature in individuals affected with PRKDC-related conditions. ClinVar contains an entry for this variant (Variation ID: 938551). Advanced modeling of protein sequence and biophysical properties (such as structural, functional, and spatial information, amino acid conservation, physicochemical variation, residue mobility, and thermodynamic stability) has been performed at Invitae for this missense variant, however the output from this modeling did not meet the statistical confidence thresholds required to predict the impact of this variant on PRKDC protein function. In summary, the available evidence is currently insufficient to determine the role of this variant in disease. Therefore, it has been classified as a Variant of Uncertain Significance.

Breakthrough Genomics
Classification: Uncertain significance. Review status: criteria provided, single submitter. Criteria: ACMG Guidelines, 2015. Collection method: not provided. Allele origin: germline. Inheritance: Autosomal recessive inheritance. Affected: yes.

NM_006904.7(PRKDC):c.10244C>T (p.Thr3415Met)

Gene: PRKDC (protein kinase, DNA-activated, catalytic subunit; minus strand). Cytogenetic location: 8q11.21.
Variant type: single nucleotide variant.
Coding change: c.10244C>T on transcript NM_006904.7 (MANE Select); coding-DNA position 10244, C replaced by T.
Protein change: p.Thr3415Met; replaces threonine 3415 with methionine.
Molecular consequence: missense variant.
Genome position (GRCh38, 1-based): chr8:47,799,263, G>A on the plus strand (C>T on the coding strand, the complement: PRKDC is on the minus strand). VCF-style: chr8-47799263-G-A. GRCh37 (hg19) VCF-style: chr8-48711824-G-A.
Other names: c.10244C>T, p.Thr3415Met (NM_001081640.2); short protein forms T3415M.
Identifiers: ClinVar variation 938551 (VCV000938551.6), dbSNP rs370050708, ClinGen allele CA4739366.